The following is an entry in ClinVar:

ClinVar aggregate classification (germline): Benign/Likely benign. Review status: criteria provided, multiple submitters, no conflicts (2 of 4 stars). 9 submissions from 9 submitters: Benign (3); Likely benign (2). 4 of the submissions do not count toward it. Last evaluated 2026-01-22.

Conditions:
KMT2A-related disorder. Also called: KMT2A-related condition.
Inborn genetic diseases. Identifiers: MedGen C0950123, MeSH D030342.

Allele frequency attached by ClinVar (database versions not stated): TOPMed 0.00037; ExAC 0.00044; gnomAD exomes 0.00047 and 0.00069; gnomAD 0.00055 and 0.00059; ESP Exome Variant Server 0.00092.
gnomAD v4.1: 1,085 of 1,612,642 alleles (0.067%); highest among the groups gnomAD compares: Non-Finnish European, 0.083%; no homozygotes.

Submissions (9):

Labcorp Genetics (formerly Invitae), Labcorp
Classification: Benign. Last evaluated: 2026-01-22. Review status: criteria provided, single submitter. Criteria: Invitae Variant Classification Sherloc (09022015). Collection method: clinical testing. Allele origin: germline.

Laboratory of Genetics, Children's Clinical University Hospital Latvia
Classification: Benign. Last evaluated: 2025-02-16. Review status: criteria provided, single submitter. Criteria: ACMG Guidelines, 2015. Collection method: clinical testing. Allele origin: germline. Affected: yes.

Blueprint Genetics
Classification: Likely benign. Last evaluated: 2024-11-27. Review status: criteria provided, single submitter. Criteria: ACMG Guidelines, 2015. Collection method: clinical testing. Allele origin: germline.

Ambry Genetics
Classification: Likely benign for Inborn genetic diseases. Last evaluated: 2022-11-07. Review status: criteria provided, single submitter. Criteria: Ambry Variant Classification Scheme 2023. Collection method: clinical testing. Allele origin: germline.

GeneDx
Classification: Benign. Last evaluated: 2019-05-13. Review status: criteria provided, single submitter. Criteria: GeneDx Variant Classification Process June 2021. Collection method: clinical testing. Allele origin: germline. Affected: yes.

PreventionGenetics, part of Exact Sciences
Classification: Likely benign for KMT2A-related condition. Last evaluated: 2022-06-07. Review status: no assertion criteria provided. Collection method: clinical testing. Allele origin: germline. Not counted in ClinVar's aggregate classification.
Comment: This variant is classified as likely benign based on ACMG/AMP sequence variant interpretation guidelines (Richards et al. 2015 PMID: 25741868, with internal and published modifications).

Clinical Genetics DNA and cytogenetics Diagnostics Lab, Erasmus MC, Erasmus Medical Center
Classification: Likely benign. Review status: no assertion criteria provided. Collection method: clinical testing. Allele origin: germline. Affected: yes. Study: VKGL Data-share Consensus. Not counted in ClinVar's aggregate classification.

Genome Diagnostics Laboratory, University Medical Center Utrecht
Classification: Likely benign. Review status: no assertion criteria provided. Collection method: clinical testing. Allele origin: germline. Affected: yes. Study: VKGL Data-share Consensus. Not counted in ClinVar's aggregate classification.

Laboratory of Diagnostic Genome Analysis, Leiden University Medical Center (LUMC)
Classification: Likely benign. Review status: no assertion criteria provided. Collection method: clinical testing. Allele origin: germline. Affected: yes. Study: VKGL Data-share Consensus. Not counted in ClinVar's aggregate classification.

NM_001197104.2(KMT2A):c.7183T>C (p.Ser2395Pro)

Gene: KMT2A (lysine methyltransferase 2A; plus strand). Cytogenetic location: 11q23.3.
Variant type: single nucleotide variant.
Coding change: c.7183T>C on transcript NM_001197104.2 (MANE Select); coding-DNA position 7183, T replaced by C.
Protein change: p.Ser2395Pro; replaces serine 2395 with proline.
Molecular consequence: missense variant.
Genome position (GRCh38, 1-based): chr11:118,503,075, T>C. VCF-style: chr11-118503075-T-C. GRCh37 (hg19) VCF-style: chr11-118373790-T-C.
Other names: c.7174T>C, p.Ser2392Pro (NM_005933.4); short protein forms S2392P, S2395P.
Identifiers: ClinVar variation 722441 (VCV000722441.19), dbSNP rs142985138, ClinGen allele CA6304371.